The following is an entry in ClinVar:

NM_199069.2(NDUFAF3):c.447del (p.Cys150fs)

Gene: NDUFAF3 (NADH:ubiquinone oxidoreductase complex assembly factor 3; plus strand). Cytogenetic location: 3p21.31.
Variant type: Deletion.
Coding change: c.447del on transcript NM_199069.2 (MANE Select); coding-DNA position 447, one base deleted (C; older notation c.447delC).
Protein change: p.Cys150fs; shifts the reading frame from cysteine 150.
Molecular consequence: frameshift variant.
Genome position (GRCh38, 1-based): chr3:49,023,064, C deleted; the last of 2 consecutive C bases (chr3:49,023,063-49,023,064); deleting either gives the same sequence. VCF-style (leftmost placement, unchanged base first): chr3-49023062-GC-G. GRCh37 (hg19) VCF-style: chr3-49060495-GC-G.
Other names: c.447delC (NM_199069.1); c.276del, p.Cys93fs (NM_199070.2, NM_199073.2, NM_199074.2); short protein forms C150fs, C93fs.
Identifiers: ClinVar variation 420990 (VCV000420990.3), dbSNP rs1064794835, ClinGen allele CA16617987.

ClinVar aggregate classification (germline): Likely pathogenic (1 of 4 stars; one submission).

Submission:

GeneDx
Classification: Likely pathogenic. Last evaluated: 2020-05-21. Review status: criteria provided, single submitter. Criteria: GeneDx Variant Classification Process June 2021. Collection method: clinical testing. Allele origin: germline. Affected: yes.
Comment: Frameshift variant in the C-terminus predicted to result in protein truncation, as the last 35 amino acids are lost and replaced with 12 incorrect amino acids, and other loss-of-function variants have been reported downstream in the Human Gene Mutation Database (Stenson et al., 2014); Not observed in large population cohorts (Lek et al., 2016); Has not been previously published as pathogenic or benign to our knowledge